The following is an entry in ClinVar:

NM_000383.4(AIRE):c.166C>T (p.Pro56Ser)

Gene: AIRE (autoimmune regulator; plus strand). Cytogenetic location: 21q22.3.
Variant type: single nucleotide variant.
Coding change: c.166C>T on transcript NM_000383.4 (MANE Select); coding-DNA position 166, C replaced by T.
Protein change: p.Pro56Ser; replaces proline 56 with serine.
Molecular consequence: missense variant.
Genome position (GRCh38, 1-based): chr21:44,286,590, C>T. VCF-style: chr21-44286590-C-T. GRCh37 (hg19) VCF-style: chr21-45706473-C-T.
Other names: c.166C>T (NM_000383.2); short protein forms P56S.
Identifiers: ClinVar variation 655886 (VCV000655886.10), dbSNP rs753460287, ClinGen allele CA10051491.

ClinVar aggregate classification (germline): Uncertain significance. Review status: criteria provided, multiple submitters, no conflicts (2 of 4 stars). 5 submissions from 5 submitters: Uncertain significance (4). 1 of the submissions does not count toward it. Last evaluated 2024-12-24.

Conditions:
Polyglandular autoimmune syndrome, type 1 (APS1). Also called: AUTOIMMUNE POLYENDOCRINE SYNDROME, TYPE I, WITH OR WITHOUT REVERSIBLE METAPHYSEAL DYSPLASIA; APS I; HYPOADRENOCORTICISM WITH HYPOPARATHYROIDISM AND SUPERFICIAL MONILIASIS; Autoimmune polyendocrine syndrome type 1; Whitaker syndrome; Autoimmune polyendocrinopathy syndrome, type I. Identifiers: Orphanet 3453, MedGen C0085859, MONDO:0009411, OMIM 240300.
Inborn genetic diseases. Identifiers: MedGen C0950123, MeSH D030342.

Allele frequency attached by ClinVar (database versions not stated): gnomAD 0.00003 and 0.00004; TOPMed 0.00003; gnomAD exomes 0.00005 and 0.00011; ExAC 0.00021.
gnomAD v4.1: 83 of 1,612,592 alleles (0.0051%); highest among the groups gnomAD compares: Non-Finnish European, 0.0051%; no homozygotes.

Submissions (5):

Labcorp Genetics (formerly Invitae), Labcorp
Classification: Uncertain significance for Polyglandular autoimmune syndrome, type 1. Last evaluated: 2024-12-24. Review status: criteria provided, single submitter. Criteria: Invitae Variant Classification Sherloc (09022015). Collection method: clinical testing. Allele origin: germline.
Comment: This sequence change replaces proline, which is neutral and non-polar, with serine, which is neutral and polar, at codon 56 of the AIRE protein (p.Pro56Ser). This variant is present in population databases (rs753460287, gnomAD 0.04%). This variant has not been reported in the literature in individuals affected with AIRE-related conditions. ClinVar contains an entry for this variant (Variation ID: 655886). An algorithm developed to predict the effect of missense changes on protein structure and function outputs the following: PolyPhen-2: "Benign". The serine amino acid residue is found in multiple mammalian species, which suggests that this missense change does not adversely affect protein function. In summary, the available evidence is currently insufficient to determine the role of this variant in disease. Therefore, it has been classified as a Variant of Uncertain Significance.

Blueprint Genetics
Classification: Uncertain significance. Last evaluated: 2022-11-02. Review status: criteria provided, single submitter. Criteria: ACMG Guidelines, 2015. Collection method: clinical testing. Allele origin: germline.

Ambry Genetics
Classification: Uncertain significance for Inborn genetic diseases. Last evaluated: 2022-10-06. Review status: criteria provided, single submitter. Criteria: Ambry Variant Classification Scheme 2023. Collection method: clinical testing. Allele origin: germline.

Center for Genomics, Ann and Robert H. Lurie Children's Hospital of Chicago
Classification: Uncertain significance for Polyglandular autoimmune syndrome, type 1. Last evaluated: 2021-03-30. Review status: criteria provided, single submitter. Criteria: ACMG Guidelines, 2015. Collection method: clinical testing. Allele origin: germline.
Comment: AIRE NM_000383.3 exon 2 p.Pro56Ser (c.166C>T): This variant has not been reported in the literature but is present in 0.03% (8/25114) of Finnish alleles in the Genome Aggregation Database. This variant is present in ClinVar (Variation ID:655886). Evolutionary conservation and computational predictive tools suggest that this variant may not impact the protein. In summary, data on this variant is insufficient for disease classification. Therefore, the clinical significance of this variant is uncertain.

Natera, Inc.
Classification: Uncertain significance for Polyglandular autoimmune syndrome type 1. Last evaluated: 2020-11-06. Review status: no assertion criteria provided. Collection method: clinical testing. Allele origin: germline. Not counted in ClinVar's aggregate classification.